The following is an entry in ClinVar:

ClinVar aggregate classification (germline): Likely pathogenic. Review status: criteria provided, single submitter (1 of 4 stars). 2 submissions from 2 submitters: Likely pathogenic (1). 1 of the submissions does not count toward it. Last evaluated 2026-06-30.

Conditions:
ALG6-congenital disorder of glycosylation 1C (CDG1C). Also called: Congenital disorder of glycosylation type 1C; CARBOHYDRATE-DEFICIENT GLYCOPROTEIN SYNDROME, TYPE I, WITH DEFICIENT GLYCOSYLATION OF DOLICHOL-LINKED OLIGOSACCHARIDE; CARBOHYDRATE-DEFICIENT GLYCOPROTEIN SYNDROME, TYPE V; Congenital disorder of glycosylation, type Ic; CDG Ic. Identifiers: Orphanet 79320, MedGen C2930997, MONDO:0011291, OMIM 603147.

Submissions (2):

Myriad Genetics, Inc.
Classification: Likely pathogenic for ALG6-congenital disorder of glycosylation 1C. Last evaluated: 2026-06-30. Review status: criteria provided, single submitter. Criteria: Myriad Autosomal Dominant, Autosomal Recessive and X-Linked Classification Criteria (2023). Collection method: clinical testing. Allele origin: unknown.
Comment: NM_013339.3(ALG6):c.430-2A>G is a variant in a canonical splice site classified as likely pathogenic in the context of congenital disorder of glycosylation, ALG6-related. c.430-2A>G has not been observed in cases with relevant disease. Relevant functional assessments of this variant are not available in the literature. c.430-2A>G has not been observed in referenced population frequency databases. In summary, NM_013339.3(ALG6):c.430-2A>G is a variant in a canonical splice site in a gene where loss of function is a known mechanism of disease and is predicted to disrupt protein function. Please note: this variant was assessed in the context of healthy population screening.

Counsyl
Classification: Likely pathogenic for ALG6-congenital disorder of glycosylation 1C. Last evaluated: 2018-05-07. Review status: no assertion criteria provided. Collection method: clinical testing. Allele origin: unknown. Not counted in ClinVar's aggregate classification.

NM_013339.4(ALG6):c.430-2A>G

Gene: ALG6 (ALG6 alpha-1,3-glucosyltransferase; plus strand). Cytogenetic location: 1p31.3.
Variant type: single nucleotide variant.
Coding change: c.430-2A>G on transcript NM_013339.4 (MANE Select); the canonical splice acceptor site of the intron before coding-DNA position 430, A replaced by G.
Molecular consequence: splice acceptor variant.
Genome position (GRCh38, 1-based): chr1:63,407,060, A>G. VCF-style: chr1-63407060-A-G. GRCh37 (hg19) VCF-style: chr1-63872731-A-G.
Identifiers: ClinVar variation 558221 (VCV000558221.3), dbSNP rs1553155565, ClinGen allele CA340634654.
Genomic context (GRCh38, chr1:63,407,060, plus strand): 5'-TTTTACCCTGCTTGATTTGTGTAACAGATTACTTTCTTATCTCACAATATTTGTCTTTAC[A>G]GATTGCTAATGCATTATGCATCTTGCTGTATCCAGGCCTTATTCTTATAGACTATGGACA-3'